The following is an entry in ClinVar:

ClinVar aggregate classification (germline): Likely pathogenic. Review status: criteria provided, multiple submitters, no conflicts (2 of 4 stars). 3 submissions from 3 submitters: Likely pathogenic (3). Last evaluated 2025-05-22.

Conditions:
Hereditary cancer-predisposing syndrome. Also called: Hereditary neoplastic syndrome; Tumor predisposition; Hereditary Cancer Syndrome; Neoplastic Syndromes, Hereditary. Identifiers: Orphanet 140162, MedGen C0027672, MeSH D009386, MONDO:0015356.
Hereditary nonpolyposis colorectal neoplasms. Identifiers: MedGen C0009405, MeSH D003123.
Lynch syndrome 4 (LYNCH4). Also called: Colorectal cancer, hereditary nonpolyposis, type 4; Hereditary non-polyposis colorectal cancer, type 4. Identifiers: Orphanet 144, MedGen C1838333, MONDO:0013699, OMIM 614337. Disease mechanism: loss of function.

Submissions (3):

Labcorp Genetics (formerly Invitae), Labcorp
Classification: Likely pathogenic for Hereditary nonpolyposis colorectal neoplasms. Last evaluated: 2025-05-22. Review status: criteria provided, single submitter. Criteria: Invitae Variant Classification Sherloc (09022015). Collection method: clinical testing. Allele origin: germline.
Comment: This sequence change affects a splice site in intron 11 of the PMS2 gene. It is expected to disrupt RNA splicing. Variants that disrupt the donor or acceptor splice site typically lead to a loss of protein function (PMID: 16199547), and loss-of-function variants in PMS2 are known to be pathogenic (PMID: 21376568, 24362816). This variant is not present in population databases (gnomAD no frequency). This variant has not been reported in the literature in individuals affected with PMS2-related conditions. ClinVar contains an entry for this variant (Variation ID: 1066928). Algorithms developed to predict the effect of sequence changes on RNA splicing suggest that this variant may disrupt the consensus splice site. In summary, the currently available evidence indicates that the variant is pathogenic, but additional data are needed to prove that conclusively. Therefore, this variant has been classified as Likely Pathogenic.

Ambry Genetics
Classification: Likely pathogenic for Hereditary cancer-predisposing syndrome. Last evaluated: 2024-07-24. Review status: criteria provided, single submitter. Criteria: Ambry Variant Classification Scheme 2023. Collection method: clinical testing. Allele origin: germline.
Comment: The c.2006_2006+4delGGTAA variant spans the canonical donor site of coding exon 11 of the PMS2 gene. This variant results from a deletion of 5 nucleotides (GGTAA) at positions c.2006 to c.2006+4. This variant is considered to be rare based on population cohorts in the Genome Aggregation Database (gnomAD). The nucleotide positions at this donor site are highly conserved in available vertebrate species. In silico splice site analysis predicts that this alteration will weaken the native splice donor site. Alterations that disrupt the canonical splice site are expected to cause aberrant splicing, resulting in an abnormal protein or a transcript that is subject to nonsense-mediated mRNA decay. As such, this alteration is classified as likely pathogenic.

Myriad Genetics, Inc.
Classification: Likely pathogenic for Lynch syndrome 4. Last evaluated: 2023-09-21. Review status: criteria provided, single submitter. Criteria: Myriad Autosomal Dominant, Autosomal Recessive and X-Linked Classification Criteria (2023). Collection method: clinical testing. Allele origin: unknown.
Comment: This variant is considered likely pathogenic. This variant occurs within a consensus splice junction and is predicted to result in abnormal mRNA splicing of either an out-of-frame exon or an in-frame exon necessary for protein stability and/or normal function.

Literature cited by the submitters: PubMed 16199547 (cited by Labcorp Genetics (formerly Invitae), Labcorp); PubMed 21376568 (cited by Labcorp Genetics (formerly Invitae), Labcorp); PubMed 24362816 (cited by Labcorp Genetics (formerly Invitae), Labcorp).

NM_000535.7(PMS2):c.2006_2006+4del

Gene: PMS2 (PMS1 homolog 2, mismatch repair system component; minus strand). Cytogenetic location: 7p22.1.
Variant type: Deletion.
Coding change: c.2006_2006+4del on transcript NM_000535.7 (MANE Select); coding-DNA position 2006 through 4 bases into the intron after coding-DNA position 2006, 5 bases deleted (GGTAA; older notation c.2006_2006+4delGGTAA).
Molecular consequence: splice donor variant.
Genome position (GRCh38, 1-based): chr7:5,986,755-5,986,759, TTACC deleted on the plus strand (GGTAA on the coding strand, the reverse complement: PMS2 is on the minus strand); deleting any 5 consecutive bases within chr7:5,986,755-5,986,762 gives the same sequence; the c. name uses the placement nearest the transcript's 3' end. VCF-style (leftmost placement, unchanged base first): chr7-5986754-TTTACC-T. GRCh37 (hg19) VCF-style: chr7-6026385-TTTACC-T.
Other names: c.2006_2006+4delGGTAA (NM_000535.5); c.1688_1688+4del (NM_001322008.2, NM_001322007.2); c.1445_1445+4del (NM_001322010.2); c.1601_1601+4del (NM_001322004.2, NM_001322003.2, NM_001322009.2 and 1 more transcripts); c.1433_1433+4del (NM_001322013.2); c.1073_1073+4del (NM_001322012.2, NM_001322011.2); c.1697_1697+4del (NM_001322015.2); c.1850_1850+4del (NM_001322006.2); and 1 more.
Identifiers: ClinVar variation 1066928 (VCV001066928.10), dbSNP rs771928911, ClinGen allele CA065228.
Genomic context (GRCh38, chr7:5,986,754, plus strand): 5'-AAAAATAAAAAATAAAAATAAAAATTTTAGATAAAAAGAGAAAAAGTAAAAAATTAAAAC[TTTACC>T]TTATCTCTTTTCTTAGTTCATCTTCGGCTGCTTGATTTTCTCCAGGACAAATCTTTGCCC-3'